The following is an entry in ClinVar:

NM_001009944.3(PKD1):c.8896G>C (p.Glu2966Gln)

Gene: PKD1 (polycystin 1, transient receptor potential channel interacting; minus strand). Cytogenetic location: 16p13.3.
Variant type: single nucleotide variant.
Coding change: c.8896G>C on transcript NM_001009944.3 (MANE Select); coding-DNA position 8896, G replaced by C.
Protein change: p.Glu2966Gln; replaces glutamic acid 2966 with glutamine.
Molecular consequence: missense variant.
Genome position (GRCh38, 1-based): chr16:2,102,866, C>G on the plus strand (G>C on the coding strand, the complement: PKD1 is on the minus strand). VCF-style: chr16-2102866-C-G. GRCh37 (hg19) VCF-style: chr16-2152867-C-G.
Other names: c.8896G>C, p.Glu2966Gln (NM_000296.4); short protein forms E2966Q.
Identifiers: ClinVar variation 4529897 (VCV004529897.1).

ClinVar aggregate classification (germline): Uncertain significance (1 of 4 stars; one submission).

gnomAD v4.1: 5 of 1,600,464 alleles (0.00031%); highest among the groups gnomAD compares: African/African-American, 0.0014%; no homozygotes.

Submission:

GeneDx
Classification: Uncertain significance. Last evaluated: 2025-05-15. Review status: criteria provided, single submitter. Criteria: GeneDx Variant Classification Process June 2021. Collection method: clinical testing. Allele origin: germline. Affected: yes.
Comment: Not observed at significant frequency in large population cohorts (gnomAD); In silico analysis suggests that this missense variant does not alter protein structure/function; Has not been previously published as pathogenic or benign to our knowledge